The following is an entry in ClinVar:

NM_007294.4(BRCA1):c.5225del (p.Asn1742fs)

Gene: BRCA1 (BRCA1 DNA repair associated; minus strand). Cytogenetic location: 17q21.31.
Variant type: Deletion.
Coding change: c.5225del on transcript NM_007294.4 (MANE Select); coding-DNA position 5225, one base deleted (A; older notation c.5225delA).
Protein change: p.Asn1742fs; shifts the reading frame from asparagine 1742.
Molecular consequence: frameshift variant.
Genome position (GRCh38, 1-based): chr17:43,057,104, T deleted on the plus strand (A on the coding strand, the reverse complement: BRCA1 is on the minus strand); the first of 2 consecutive T bases (chr17:43,057,104-43,057,105); deleting either gives the same sequence. VCF-style (leftmost placement, unchanged base first): chr17-43057103-AT-A. GRCh37 (hg19) VCF-style: chr17-41209120-AT-A.
Other names: c.5012del, p.Asn1671fs (NM_001407571.1, NM_001407894.1, NM_001407895.1 and 12 more transcripts); c.5291del, p.Asn1764fs (NM_001407581.1, NM_001407582.1); c.5288del, p.Asn1763fs (NM_001407583.1, NM_001407585.1, NM_001407587.1 and 1 more transcripts); c.5285del, p.Asn1762fs (NM_001407590.1, NM_001407591.1); c.5225del, p.Asn1742fs (NM_001407593.1, NM_001407594.1, NM_001407596.1 and 7 more transcripts); c.5222del, p.Asn1741fs (NM_001407610.1, NM_001407611.1, NM_001407612.1 and 17 more transcripts); c.5219del, p.Asn1740fs (NM_001407627.1, NM_001407628.1, NM_001407629.1 and 14 more transcripts); c.5144del, p.Asn1715fs (NM_001407657.1, NM_001407658.1, NM_001407656.1); and 73 more; short protein forms N1445fs, N1446fs, N1573fs, N1588fs, N1613fs, N1614fs, N1615fs, N1629fs.
Identifiers: ClinVar variation 2573285 (VCV002573285.1), dbSNP rs2548462026, ClinGen allele CA2580612678.

ClinVar aggregate classification (germline): Pathogenic (1 of 4 stars; one submission).

Conditions:
Breast-ovarian cancer, familial, susceptibility to, 1 (BROVCA1). Also called: BRCA1 Hereditary Breast and Ovarian Cancer; OVARIAN CANCER, SUSCEPTIBILITY TO. Identifiers: Orphanet 145, MedGen C2676676, MONDO:0011450, OMIM 604370. Disease mechanism: loss of function.

Submission:

Myriad Genetics, Inc.
Classification: Pathogenic for Breast-ovarian cancer, familial, susceptibility to, 1. Last evaluated: 2023-02-08. Review status: criteria provided, single submitter. Criteria: Myriad Autosomal Dominant, Autosomal Recessive and X-Linked Classification Criteria (2023). Collection method: clinical testing. Allele origin: unknown.
Comment: This variant is considered pathogenic. This variant creates a frameshift predicted to result in premature protein truncation.